The following is an entry in ClinVar:

ClinVar aggregate classification (germline): Pathogenic/Likely pathogenic. Review status: criteria provided, multiple submitters, no conflicts (2 of 4 stars). 2 submissions from 2 submitters: Pathogenic (1); Likely pathogenic (1). Last evaluated 2022-06-10.

Conditions:
Mucolipidosis type II. Also called: Mucolipidosis 2; ML 2; Inclusion cell disease; Leroy Disease; N-acetylglucosamine 1phosphotransferase deficiency; ML disorder type 2. Identifiers: Orphanet 576, MedGen C2673377, MONDO:0009650, OMIM 252500.
Pseudo-Hurler polydystrophy. Also called: ML IIIA; Mucolipidosis III Alpha/Beta; MUCOLIPIDOSIS IIIA; ML III; ML III ALPHA/BETA; Type III Mucolipidosis. Identifiers: Orphanet 423461, Orphanet 577, MedGen C0033788, MONDO:0018931, OMIM 252600.
GNPTAB-mucolipidosis. Also called: UDP-N-acetylglucosamine-1-phosphotransferase subunit alpha/beta deficiency. Identifiers: MedGen CN322573, MONDO:0100122.

Submissions (2):

Labcorp Genetics (formerly Invitae), Labcorp
Classification: Pathogenic for Pseudo-Hurler polydystrophy; Mucolipidosis type II. Last evaluated: 2022-06-10. Review status: criteria provided, single submitter. Criteria: Invitae Variant Classification Sherloc (09022015). Collection method: clinical testing. Allele origin: germline.
Comment: For these reasons, this variant has been classified as Pathogenic. Algorithms developed to predict the effect of sequence changes on RNA splicing suggest that this variant may disrupt the consensus splice site. ClinVar contains an entry for this variant (Variation ID: 983575). This variant has not been reported in the literature in individuals affected with GNPTAB-related conditions. This variant is not present in population databases (gnomAD no frequency). This sequence change creates a premature translational stop signal (p.Gln1006*) in the GNPTAB gene. It is expected to result in an absent or disrupted protein product. Loss-of-function variants in GNPTAB are known to be pathogenic (PMID: 19617216, 25107912).

Myriad Genetics, Inc.
Classification: Likely pathogenic for GNPTAB-mucolipidosis. Last evaluated: 2019-12-22. Review status: criteria provided, single submitter. Criteria: Myriad Autosomal Dominant, Autosomal Recessive and X-Linked Classification Criteria (2023). Collection method: clinical testing. Allele origin: unknown.
Comment: NM_024312.4(GNPTAB):c.3016C>T(Q1006*) is expected to be pathogenic in the context of GNPTAB-related disorders. This variant is predicted to lead to an abnormal or absent protein product due to the creation of a premature termination codon in GNPTAB, a gene where loss-of-function variants are known to be pathogenic. Please note: this variant was assessed in the context of healthy population screening.

Literature cited by the submitters: PubMed 19617216 (cited by Labcorp Genetics (formerly Invitae), Labcorp); PubMed 25107912 (cited by Labcorp Genetics (formerly Invitae), Labcorp).

NM_024312.5(GNPTAB):c.3016C>T (p.Gln1006Ter)

Gene: GNPTAB (N-acetylglucosamine-1-phosphate transferase subunits alpha and beta; minus strand). Cytogenetic location: 12q23.2.
Variant type: single nucleotide variant.
Coding change: c.3016C>T on transcript NM_024312.5 (MANE Select); coding-DNA position 3016, C replaced by T.
Protein change: p.Gln1006Ter; replaces glutamine 1006 with a stop codon.
Molecular consequence: nonsense.
Genome position (GRCh38, 1-based): chr12:101,761,246, G>A on the plus strand (C>T on the coding strand, the complement: GNPTAB is on the minus strand). VCF-style: chr12-101761246-G-A. GRCh37 (hg19) VCF-style: chr12-102155024-G-A.
Other names: short protein forms Q1006*.
Identifiers: ClinVar variation 983575 (VCV000983575.8), dbSNP rs1952987753, ClinGen allele CA386295599.